The following is an entry in ClinVar:

NM_000489.6(ATRX):c.5060G>C (p.Arg1687Thr)

Gene: ATRX (ATRX chromatin remodeler; minus strand). Cytogenetic location: Xq21.1.
Variant type: single nucleotide variant.
Coding change: c.5060G>C on transcript NM_000489.6 (MANE Select); coding-DNA position 5060, G replaced by C.
Protein change: p.Arg1687Thr; replaces arginine 1687 with threonine.
Molecular consequence: missense variant.
Genome position (GRCh38, 1-based): chrX:77,633,281, C>G on the plus strand (G>C on the coding strand, the complement: ATRX is on the minus strand). VCF-style: chrX-77633281-C-G. GRCh37 (hg19) VCF-style: chrX-76888769-C-G.
Other names: c.4946G>C, p.Arg1649Thr (NM_138270.5); short protein forms R1649T, R1687T.
Identifiers: ClinVar variation 4854617 (VCV004854617.1).

ClinVar aggregate classification (germline): Uncertain significance (1 of 4 stars; one submission).

Conditions:
Intellectual disability-hypotonic facies syndrome, X-linked, 1 (MRXHF1). Also called: Smith Fineman Myers syndrome 1; XLMR-HYPOTONIC FACIES SYNDROME; HOLMES-GANG SYNDROME; CHUDLEY-LOWRY SYNDROME; Chudley syndrome 1; Chudley-Lowry-Hoar syndrome. Identifiers: Orphanet 73220, Orphanet 93970, Orphanet 93971, Orphanet 93972, Orphanet 93973, Orphanet 93974, Orphanet 93975, MedGen C4759781, MONDO:0010663, OMIM 309580.

gnomAD v4.1: 1 of 1,208,087 alleles (0.000083%); highest among the groups gnomAD compares: South Asian, 0.0018%; no homozygotes.

Submission:

3billion
Classification: Uncertain significance for Intellectual disability-hypotonic facies syndrome, X-linked, 1. Last evaluated: 2025-12-18. Review status: criteria provided, single submitter. Criteria: ACMG Guidelines, 2015. Collection method: clinical testing. Allele origin: germline. Affected: yes.
Comment: The variant is observed at an extremely low frequency in the gnomAD v4.1.0 dataset (total allele frequency: <0.001%). Predicted Consequence/Location: Missense variant In silico tool predictions suggest damaging effect of the variant on gene or gene product [REVEL: 0.94 (>=0.6, sensitivity 0.68 and specificity 0.92); 3Cnet: 0.97 (> 0.75, sensitivity 0.96 and precision 0.92)]. Therefore, this variant is classified as VUS according to the recommendation of ACMG/AMP guideline.